The following is an entry in ClinVar:

ClinVar aggregate classification (germline): Uncertain significance (1 of 4 stars; one submission).

Conditions:
Neuromuscular disease caused by qualitative or quantitative defects of dysferlin. Also called: Dysferlinopathy; Qualitative or quantitative defects of dysferlin. Identifiers: Orphanet 207073, MedGen C2931687, MONDO:0016145.

Allele frequency attached by ClinVar (database versions not stated): gnomAD exomes below 0.00001.
gnomAD v4.1: 3 of 1,614,048 alleles (0.00019%); highest among the groups gnomAD compares: African/African-American, 0.0027%; no homozygotes.

Submission:

Labcorp Genetics (formerly Invitae), Labcorp
Classification: Uncertain significance for Neuromuscular disease caused by qualitative or quantitative defects of dysferlin. Last evaluated: 2021-05-21. Review status: criteria provided, single submitter. Criteria: Invitae Variant Classification Sherloc (09022015). Collection method: clinical testing. Allele origin: germline.
Comment: This sequence change affects codon 1564 of the DYSF mRNA. It is a 'silent' change, meaning that it does not change the encoded amino acid sequence of the DYSF protein. This variant is not present in population databases (ExAC no frequency). This variant has not been reported in the literature in individuals with DYSF-related conditions. Algorithms developed to predict the effect of sequence changes on RNA splicing suggest that this variant may create or strengthen a splice site, but this prediction has not been confirmed by published transcriptional studies. In summary, the available evidence is currently insufficient to determine the role of this variant in disease. Therefore, it has been classified as a Variant of Uncertain Significance.

NM_001130987.2(DYSF):c.4809A>C (p.Pro1603=)

Gene: DYSF (dysferlin; plus strand). Cytogenetic location: 2p13.2.
Variant type: single nucleotide variant.
Coding change: c.4809A>C on transcript NM_001130987.2 (MANE Select); coding-DNA position 4809, A replaced by C.
Protein change: p.Pro1603=; no amino-acid change (proline 1603 retained).
Molecular consequence: synonymous variant.
Genome position (GRCh38, 1-based): chr2:71,658,931, A>C. VCF-style: chr2-71658931-A-C. GRCh37 (hg19) VCF-style: chr2-71886061-A-C.
Other names: c.4695A>C, p.Pro1565= (NM_001130455.2); c.4650A>C, p.Pro1550= (NM_001130976.2); c.4713A>C, p.Pro1571= (NM_001130977.2); c.4755A>C, p.Pro1585= (NM_001130978.2); c.4785A>C, p.Pro1595= (NM_001130979.2); c.4743A>C, p.Pro1581= (NM_001130980.2); c.4806A>C, p.Pro1602= (NM_001130981.2); c.4788A>C, p.Pro1596= (NM_001130982.2); and 5 more.
Identifiers: ClinVar variation 1951066 (VCV001951066.2), dbSNP rs1267487878, ClinGen allele CA426703533.